The following is an entry in ClinVar:

ClinVar aggregate classification (germline): Uncertain significance (0 of 4 stars; one submission).

Conditions:
Prostate cancer. Also called: Malignant tumor of prostate. Identifiers: Orphanet 1331, MedGen C0376358, MONDO:0008315, HP:0012125.

Submission:

Science for Life laboratory,  Karolinska Institutet
Classification: Uncertain significance for Malignant tumor of prostate. Review status: no assertion criteria provided. Collection method: not provided. Allele origin: somatic.
Comment: TumorID:SWE-10
ClinVar note: Converted during submission from Unknown to Uncertain significance.

NM_001530.4(HIF1A):c.700G>A (p.Glu234Lys)

Genes: HIF1A (hypoxia inducible factor 1 subunit alpha; plus strand), HIF1A-AS3 (HIF1A antisense RNA 3; minus strand). Cytogenetic location: 14q23.2.
Variant type: single nucleotide variant.
Coding change: c.700G>A on transcript NM_001530.4 (MANE Select); coding-DNA position 700, G replaced by A.
Protein change: p.Glu234Lys; replaces glutamic acid 234 with lysine.
Molecular consequence: missense variant.
Genome position (GRCh38, 1-based): chr14:61,727,582, G>A. VCF-style: chr14-61727582-G-A. GRCh37 (hg19) VCF-style: chr14-62194300-G-A.
Other names: c.772G>A, p.Glu258Lys (NM_001243084.2); c.700G>A, p.Glu234Lys (NM_181054.3); short protein forms E234K, E258K.
Identifiers: ClinVar variation 161843 (VCV000161843.2), dbSNP rs193920781, ClinGen allele CA174890.